The following is an entry in ClinVar:

NM_005733.3(KIF20A):c.743A>T (p.Glu248Val)

Gene: KIF20A (kinesin family member 20A; plus strand). Cytogenetic location: 5q31.2.
Variant type: single nucleotide variant.
Coding change: c.743A>T on transcript NM_005733.3 (MANE Select); coding-DNA position 743, A replaced by T.
Protein change: p.Glu248Val; replaces glutamic acid 248 with valine.
Molecular consequence: missense variant.
Genome position (GRCh38, 1-based): chr5:138,182,901, A>T. VCF-style: chr5-138182901-A-T. GRCh37 (hg19) VCF-style: chr5-137518590-A-T.
Other names: c.743A>T (NM_005733.2); short protein forms E248V.
Identifiers: ClinVar variation 1487276 (VCV001487276.10), dbSNP rs73261939, ClinGen allele CA128185065.
Genomic context (GRCh38, chr5:138,182,901, plus strand): 5'-TTCTCCCTGTGCCCCTCCAGGAGGAGCTGTCCACTTCCTTGAAGAGGAGTGTCTACATCG[A>T]AAGTCGGATAGGTACCAGCACCAGCTTCGACAGTGGCATTGCTGGGCTCTCTTCTATCAG-3'
Protein context (NP_005724.1, residues 238-258): STSLKRSVYI[Glu248Val]SRIGTSTSFD

ClinVar aggregate classification (germline): Uncertain significance. Review status: criteria provided, multiple submitters, no conflicts (2 of 4 stars). 3 submissions from 3 submitters: Uncertain significance (3). Last evaluated 2025-09-21.

Allele frequency attached by ClinVar (database versions not stated): gnomAD 0.00001; TOPMed 0.00002; 1000 Genomes Project 0.00020; 1000 Genomes Project 30x 0.00031.
gnomAD v4.1: 7 of 1,614,218 alleles (0.00043%); highest among the groups gnomAD compares: African/African-American, 0.008%; no homozygotes.

Submissions (3):

Ambry Genetics
Classification: Uncertain significance. Last evaluated: 2025-09-21. Review status: criteria provided, single submitter. Criteria: Ambry Variant Classification Scheme 2023. Collection method: clinical testing. Allele origin: germline.

Labcorp Genetics (formerly Invitae), Labcorp
Classification: Uncertain significance. Last evaluated: 2024-04-18. Review status: criteria provided, single submitter. Criteria: Invitae Variant Classification Sherloc (09022015). Collection method: clinical testing. Allele origin: germline.
Comment: This sequence change replaces glutamic acid, which is acidic and polar, with valine, which is neutral and non-polar, at codon 248 of the KIF20A protein (p.Glu248Val). This variant is present in population databases (rs73261939, gnomAD 0.008%). This variant has not been reported in the literature in individuals affected with KIF20A-related conditions. ClinVar contains an entry for this variant (Variation ID: 1487276). An algorithm developed to predict the effect of missense changes on protein structure and function (PolyPhen-2) suggests that this variant is likely to be disruptive. In summary, the available evidence is currently insufficient to determine the role of this variant in disease. Therefore, it has been classified as a Variant of Uncertain Significance.

Breakthrough Genomics
Classification: Uncertain significance. Review status: criteria provided, single submitter. Criteria: ACMG Guidelines, 2015. Collection method: not provided. Allele origin: germline. Inheritance: Autosomal recessive inheritance. Affected: yes.